The following is an entry in ClinVar:

ClinVar aggregate classification (germline): Likely pathogenic (1 of 4 stars; one submission).

Submission:

Labcorp Genetics (formerly Invitae), Labcorp
Classification: Likely pathogenic. Last evaluated: 2023-09-12. Review status: criteria provided, single submitter. Criteria: Invitae Variant Classification Sherloc (09022015). Collection method: clinical testing. Allele origin: germline.
Comment: In summary, the currently available evidence indicates that the variant is pathogenic, but additional data are needed to prove that conclusively. Therefore, this variant has been classified as Likely Pathogenic. Algorithms developed to predict the effect of sequence changes on RNA splicing suggest that this variant may disrupt the consensus splice site. This variant has not been reported in the literature in individuals affected with ADGRV1-related conditions. This variant is not present in population databases (gnomAD no frequency). This sequence change affects an acceptor splice site in intron 30 of the ADGRV1 gene. It is expected to disrupt RNA splicing. Variants that disrupt the donor or acceptor splice site typically lead to a loss of protein function (PMID: 16199547), and loss-of-function variants in ADGRV1 are known to be pathogenic (PMID: 19357117, 22135276, 22147658, 26226137, 30718709, 31047384, 32467589).

Literature cited by the submitters: PubMed 16199547; PubMed 19357117; PubMed 22135276; PubMed 22147658; PubMed 26226137; PubMed 30718709; PubMed 31047384; PubMed 32467589.

NM_032119.4(ADGRV1):c.6707-1G>T

Gene: ADGRV1 (adhesion G protein-coupled receptor V1; plus strand). Cytogenetic location: 5q14.3.
Variant type: single nucleotide variant.
Coding change: c.6707-1G>T on transcript NM_032119.4 (MANE Select); the canonical splice acceptor site of the intron before coding-DNA position 6707, G replaced by T.
Molecular consequence: splice acceptor variant.
Genome position (GRCh38, 1-based): chr5:90,690,796, G>T. VCF-style: chr5-90690796-G-T. GRCh37 (hg19) VCF-style: chr5-89986613-G-T.
Identifiers: ClinVar variation 2760275 (VCV002760275.3), dbSNP rs2530903802, ClinGen allele CA360367183.